The following is an entry in ClinVar:

ClinVar aggregate classification (germline): Uncertain significance. Review status: criteria provided, multiple submitters, no conflicts (2 of 4 stars). 3 submissions from 3 submitters: Uncertain significance (3). Last evaluated 2025-10-22.

Conditions:
Age related macular degeneration 1 (ARMD1). Also called: MACULOPATHY, AGE-RELATED, 1. Identifiers: MedGen C1864205, MONDO:0011285, OMIM 603075.

Allele frequency attached by ClinVar (database versions not stated): gnomAD exomes 0.00007; ExAC 0.00010; gnomAD 0.00013; ESP Exome Variant Server 0.00015; 1000 Genomes Project 0.00020; 1000 Genomes Project 30x 0.00031.
gnomAD v4.1: 119 of 1,612,238 alleles (0.0074%); highest among the groups gnomAD compares: African/African-American, 0.049%; no homozygotes.

Submissions (3):

Labcorp Genetics (formerly Invitae), Labcorp
Classification: Uncertain significance. Last evaluated: 2025-10-22. Review status: criteria provided, single submitter. Criteria: Invitae Variant Classification Sherloc (09022015). Collection method: clinical testing. Allele origin: germline.
Comment: This sequence change replaces threonine, which is neutral and polar, with methionine, which is neutral and non-polar, at codon 3164 of the HMCN1 protein (p.Thr3164Met). This variant is present in population databases (rs141412992, gnomAD 0.04%). This variant has not been reported in the literature in individuals affected with HMCN1-related conditions. ClinVar contains an entry for this variant (Variation ID: 1914359). An algorithm developed to predict the effect of missense changes on protein structure and function (PolyPhen-2) suggests that this variant is likely to be disruptive. In summary, the available evidence is currently insufficient to determine the role of this variant in disease. Therefore, it has been classified as a Variant of Uncertain Significance.

Genome-Nilou Lab
Classification: Uncertain significance for Age related macular degeneration 1. Last evaluated: 2023-04-11. Review status: criteria provided, single submitter. Criteria: ACMG Guidelines, 2015. Collection method: clinical testing. Allele origin: germline. Affected: no.

Ambry Genetics
Classification: Uncertain significance. Last evaluated: 2022-06-17. Review status: criteria provided, single submitter. Criteria: Ambry Variant Classification Scheme 2023. Collection method: clinical testing. Allele origin: germline.

NM_031935.3(HMCN1):c.9491C>T (p.Thr3164Met)

Gene: HMCN1 (hemicentin 1; plus strand). Cytogenetic location: 1q31.1.
Variant type: single nucleotide variant.
Coding change: c.9491C>T on transcript NM_031935.3 (MANE Select); coding-DNA position 9491, C replaced by T.
Protein change: p.Thr3164Met; replaces threonine 3164 with methionine.
Molecular consequence: missense variant.
Genome position (GRCh38, 1-based): chr1:186,088,190, C>T. VCF-style: chr1-186088190-C-T. GRCh37 (hg19) VCF-style: chr1-186057322-C-T.
Other names: short protein forms T3164M.
Identifiers: ClinVar variation 1914359 (VCV001914359.7), dbSNP rs141412992, ClinGen allele CA1293449.